The following is an entry in ClinVar:

ClinVar aggregate classification (germline): Uncertain significance (1 of 4 stars; one submission).

gnomAD v4.1: 2 of 1,614,050 alleles (0.00012%); highest among the groups gnomAD compares: Middle Eastern, 0.016%; no homozygotes.

Submission:

Labcorp Genetics (formerly Invitae), Labcorp
Classification: Uncertain significance. Last evaluated: 2025-03-25. Review status: criteria provided, single submitter. Criteria: Invitae Variant Classification Sherloc (09022015). Collection method: clinical testing. Allele origin: germline.
Comment: This sequence change replaces asparagine, which is neutral and polar, with serine, which is neutral and polar, at codon 563 of the EMC1 protein (p.Asn563Ser). This variant is not present in population databases (gnomAD no frequency). This variant has not been reported in the literature in individuals affected with EMC1-related conditions. Invitae Evidence Modeling of protein sequence and biophysical properties (such as structural, functional, and spatial information, amino acid conservation, physicochemical variation, residue mobility, and thermodynamic stability) indicates that this missense variant is not expected to disrupt EMC1 protein function with a negative predictive value of 80%. In summary, the available evidence is currently insufficient to determine the role of this variant in disease. Therefore, it has been classified as a Variant of Uncertain Significance.

NM_015047.3(EMC1):c.1688A>G (p.Asn563Ser)

Genes: EMC1 (ER membrane protein complex subunit 1; minus strand), EMC1-AS1 (EMC1 antisense RNA 1; plus strand). Cytogenetic location: 1p36.13.
Variant type: single nucleotide variant.
Coding change: c.1688A>G on transcript NM_015047.3 (MANE Select); coding-DNA position 1688, A replaced by G.
Protein change: p.Asn563Ser; replaces asparagine 563 with serine.
Molecular consequence: missense variant.
Genome position (GRCh38, 1-based): chr1:19,232,718, T>C on the plus strand (A>G on the coding strand, the complement: EMC1 is on the minus strand). VCF-style: chr1-19232718-T-C. GRCh37 (hg19) VCF-style: chr1-19559212-T-C.
Other names: c.1685A>G, p.Asn562Ser (NM_001271427.2, NM_001271428.2); c.1622A>G, p.Asn541Ser (NM_001271429.2); c.1697A>G, p.Asn566Ser (NM_001375820.1); c.1694A>G, p.Asn565Ser (NM_001375821.1); short protein forms N541S, N563S, N565S, N562S, N566S.
Identifiers: ClinVar variation 4762128 (VCV004762128.1).